The following is an entry in ClinVar:

ClinVar aggregate classification (germline): Uncertain significance (1 of 4 stars; one submission).

Conditions:
Epidermolysis bullosa simplex with nail dystrophy (EBS5D). Identifiers: MedGen C4225309, MONDO:0014661, OMIM 616487.
Epidermolysis bullosa simplex, Ogna type (EBS5A). Also called: Pidermolysis bullosa simplex 5A, Ogna type; EPIDERMOLYSIS BULLOSA SIMPLEX 5A, OGNA TYPE. Identifiers: Orphanet 79401, MedGen C0432317, MONDO:0007555, OMIM 131950.
Autosomal recessive limb-girdle muscular dystrophy type 2Q (LGMDR17). Also called: MUSCULAR DYSTROPHY, LIMB-GIRDLE, AUTOSOMAL RECESSIVE 17. Identifiers: Orphanet 254361, MedGen C3150989, MONDO:0013390, OMIM 613723.
Epidermolysis bullosa simplex 5B, with muscular dystrophy (EBS5B). Also called: EPIDERMOLYSIS BULLOSA SIMPLEX AND LIMB-GIRDLE MUSCULAR DYSTROPHY; Epidermolysis bullosa simplex with muscular dystrophy. Identifiers: Orphanet 257, MedGen C2931072, MONDO:0009181, OMIM 226670.
Epidermolysis bullosa simplex 5C, with pyloric atresia (EBS5C). Also called: PLEC-Related Epidermolysis Bullosa with Pyloric Atresia; Epidermolysis bullosa simplex with pyloric atresia; PLEC1-Related Epidermolysis Bullosa with Pyloric Atresia. Identifiers: Orphanet 158684, MedGen C2677349, MONDO:0012807, OMIM 612138.

Submission:

Labcorp Genetics (formerly Invitae), Labcorp
Classification: Uncertain significance for Autosomal recessive limb-girdle muscular dystrophy type 2Q; Epidermolysis bullosa simplex, Ogna type; Epidermolysis bullosa simplex with nail dystrophy; Epidermolysis bullosa simplex 5C, with pyloric atresia; Epidermolysis bullosa simplex 5B, with muscular dystrophy. Last evaluated: 2023-12-20. Review status: criteria provided, single submitter. Criteria: Invitae Variant Classification Sherloc (09022015). Collection method: clinical testing. Allele origin: germline.
Comment: This sequence change replaces leucine, which is neutral and non-polar, with valine, which is neutral and non-polar, at codon 3283 of the PLEC protein (p.Leu3283Val). This variant is not present in population databases (gnomAD no frequency). This variant has not been reported in the literature in individuals affected with PLEC-related conditions. An algorithm developed to predict the effect of missense changes on protein structure and function (PolyPhen-2) suggests that this variant is likely to be disruptive. In summary, the available evidence is currently insufficient to determine the role of this variant in disease. Therefore, it has been classified as a Variant of Uncertain Significance.

NM_201384.3(PLEC):c.9766C>G (p.Leu3256Val)

Gene: PLEC (plectin; minus strand). Cytogenetic location: 8q24.3.
Variant type: single nucleotide variant.
Coding change: c.9766C>G on transcript NM_201384.3 (MANE Select); coding-DNA position 9766, C replaced by G.
Protein change: p.Leu3256Val; replaces leucine 3256 with valine.
Molecular consequence: missense variant.
Genome position (GRCh38, 1-based): chr8:143,920,055, G>C on the plus strand (C>G on the coding strand, the complement: PLEC is on the minus strand). VCF-style: chr8-143920055-G-C. GRCh37 (hg19) VCF-style: chr8-144994223-G-C.
Other names: c.9847C>G, p.Leu3283Val (NM_000445.5); c.6466C>G, p.Leu2156Val (NM_001410941.1); c.9724C>G, p.Leu3242Val (NM_201378.4); c.9700C>G, p.Leu3234Val (NM_201379.3); c.10177C>G, p.Leu3393Val (NM_201380.4); c.9670C>G, p.Leu3224Val (NM_201381.3); c.9766C>G, p.Leu3256Val (NM_201382.4); c.9778C>G, p.Leu3260Val (NM_201383.3); short protein forms L3224V, L2156V, L3283V, L3393V, L3234V, L3256V, L3242V, L3260V.
Identifiers: ClinVar variation 2938626 (VCV002938626.3), dbSNP rs1477816210, ClinGen allele CA372506836.